The following is an entry in ClinVar:

ClinVar aggregate classification (germline): Benign. Review status: criteria provided, single submitter (1 of 4 stars). 2 submissions from 2 submitters: Benign (1). 1 of the submissions does not count toward it. Last evaluated 2018-08-24.

Conditions:
KIF5C-related disorder. Also called: KIF5C-related condition.

Allele frequency attached by ClinVar (database versions not stated): ESP Exome Variant Server 0.00016; gnomAD 0.00133 and 0.00199; gnomAD exomes 0.00176 and 0.00409; TOPMed 0.00244; ExAC 0.00548; 1000 Genomes Project 30x 0.00718; 1000 Genomes Project 0.00879.
gnomAD v4.1: 2,855 of 1,605,752 alleles (0.18%); highest among the groups gnomAD compares: East Asian, 5.9%; 90 homozygotes.

Submissions (2):

GeneDx
Classification: Benign. Last evaluated: 2018-08-24. Review status: criteria provided, single submitter. Criteria: GeneDx Variant Classification Process June 2021. Collection method: clinical testing. Allele origin: germline. Affected: yes.

PreventionGenetics, part of Exact Sciences
Classification: Benign for KIF5C-related condition. Last evaluated: 2019-12-09. Review status: no assertion criteria provided. Collection method: clinical testing. Allele origin: germline. Not counted in ClinVar's aggregate classification.
Comment: This variant is classified as benign based on ACMG/AMP sequence variant interpretation guidelines (Richards et al. 2015 PMID: 25741868, with internal and published modifications).

NM_004522.3(KIF5C):c.1526C>T (p.Thr509Ile)

Gene: KIF5C (kinesin family member 5C; plus strand). Cytogenetic location: 2q23.1.
Variant type: single nucleotide variant.
Coding change: c.1526C>T on transcript NM_004522.3 (MANE Select); coding-DNA position 1526, C replaced by T.
Protein change: p.Thr509Ile; replaces threonine 509 with isoleucine.
Molecular consequence: missense variant. On other transcripts: non-coding transcript variant (1).
Genome position (GRCh38, 1-based): chr2:148,981,518, C>T. VCF-style: chr2-148981518-C-T. GRCh37 (hg19) VCF-style: chr2-149838032-C-T.
Other names: short protein forms T509I.
Identifiers: ClinVar variation 1290873 (VCV001290873.4), dbSNP rs146933458, ClinGen allele CA1901468.